The following is an entry in ClinVar:

ClinVar aggregate classification (germline): Uncertain significance (1 of 4 stars; one submission).

Conditions:
Epidermolysis bullosa simplex with nail dystrophy (EBS5D). Identifiers: MedGen C4225309, MONDO:0014661, OMIM 616487.
Epidermolysis bullosa simplex, Ogna type (EBS5A). Also called: EPIDERMOLYSIS BULLOSA SIMPLEX 5A, OGNA TYPE; Pidermolysis bullosa simplex 5A, Ogna type. Identifiers: Orphanet 79401, MedGen C0432317, MONDO:0007555, OMIM 131950.
Autosomal recessive limb-girdle muscular dystrophy type 2Q (LGMDR17). Also called: MUSCULAR DYSTROPHY, LIMB-GIRDLE, AUTOSOMAL RECESSIVE 17. Identifiers: Orphanet 254361, MedGen C3150989, MONDO:0013390, OMIM 613723.
Epidermolysis bullosa simplex 5B, with muscular dystrophy (EBS5B). Also called: EPIDERMOLYSIS BULLOSA SIMPLEX AND LIMB-GIRDLE MUSCULAR DYSTROPHY; Epidermolysis bullosa simplex with muscular dystrophy. Identifiers: Orphanet 257, MedGen C2931072, MONDO:0009181, OMIM 226670.
Epidermolysis bullosa simplex 5C, with pyloric atresia (EBS5C). Also called: PLEC-Related Epidermolysis Bullosa with Pyloric Atresia; Epidermolysis bullosa simplex with pyloric atresia; PLEC1-Related Epidermolysis Bullosa with Pyloric Atresia. Identifiers: Orphanet 158684, MedGen C2677349, MONDO:0012807, OMIM 612138.

gnomAD v4.1: 7 of 1,613,342 alleles (0.00043%); highest among the groups gnomAD compares: Non-Finnish European, 0.00059%; no homozygotes.

Submission:

Labcorp Genetics (formerly Invitae), Labcorp
Classification: Uncertain significance for Autosomal recessive limb-girdle muscular dystrophy type 2Q; Epidermolysis bullosa simplex, Ogna type; Epidermolysis bullosa simplex with nail dystrophy; Epidermolysis bullosa simplex 5C, with pyloric atresia; Epidermolysis bullosa simplex 5B, with muscular dystrophy. Last evaluated: 2025-12-21. Review status: criteria provided, single submitter. Criteria: Invitae Variant Classification Sherloc (09022015). Collection method: clinical testing. Allele origin: germline.
Comment: This sequence change replaces glutamic acid, which is acidic and polar, with lysine, which is basic and polar, at codon 4016 of the PLEC protein (p.Glu4016Lys). This variant is present in population databases (no rsID available, gnomAD 0.003%). This variant has not been reported in the literature in individuals affected with PLEC-related conditions. Invitae Evidence Modeling of protein sequence and biophysical properties (such as structural, functional, and spatial information, amino acid conservation, physicochemical variation, residue mobility, and thermodynamic stability) indicates that this missense variant is not expected to disrupt PLEC protein function with a negative predictive value of 80%. In summary, the available evidence is currently insufficient to determine the role of this variant in disease. Therefore, it has been classified as a Variant of Uncertain Significance.

NM_201384.3(PLEC):c.11965G>A (p.Glu3989Lys)

Gene: PLEC (plectin; minus strand). Cytogenetic location: 8q24.3.
Variant type: single nucleotide variant.
Coding change: c.11965G>A on transcript NM_201384.3 (MANE Select); coding-DNA position 11965, G replaced by A.
Protein change: p.Glu3989Lys; replaces glutamic acid 3989 with lysine.
Molecular consequence: missense variant.
Genome position (GRCh38, 1-based): chr8:143,917,856, C>T on the plus strand (G>A on the coding strand, the complement: PLEC is on the minus strand). VCF-style: chr8-143917856-C-T. GRCh37 (hg19) VCF-style: chr8-144992024-C-T.
Other names: c.11869G>A, p.Glu3957Lys (NM_201381.3); c.11965G>A, p.Glu3989Lys (NM_201382.4); c.11977G>A, p.Glu3993Lys (NM_201383.3); c.12046G>A, p.Glu4016Lys (NM_000445.5); c.8665G>A, p.Glu2889Lys (NM_001410941.1); c.11923G>A, p.Glu3975Lys (NM_201378.4); c.11899G>A, p.Glu3967Lys (NM_201379.3); c.12376G>A, p.Glu4126Lys (NM_201380.4); short protein forms E3957K, E3993K, E4126K, E3975K, E4016K, E2889K, E3989K, E3967K.
Identifiers: ClinVar variation 4792327 (VCV004792327.1).
Genomic context (GRCh38, chr8:143,917,856, plus strand): 5'-GCTCGGCCGACAGCAGCTTGTCCTTGAACTCGGGGCCCACAATGCCCATACGCACAGCCT[C>T]CTCCACCGTCAGCTTCAGTCCCTTGATGGGGTCGATGACGTAACCGGTGGCCGCCTGCGC-3'
Protein context (NP_958786.1, residues 3979-3999): PIKGLKLTVE[Glu3989Lys]AVRMGIVGPE